The following is an entry in ClinVar:

NM_003722.5(TP63):c.1328A>C (p.His443Pro)

Gene: TP63 (tumor protein p63; plus strand). Cytogenetic location: 3q28.
Variant type: single nucleotide variant.
Coding change: c.1328A>C on transcript NM_003722.5 (MANE Select); coding-DNA position 1328, A replaced by C.
Protein change: p.His443Pro; replaces histidine 443 with proline.
Molecular consequence: missense variant.
Genome position (GRCh38, 1-based): chr3:189,872,974, A>C. VCF-style: chr3-189872974-A-C. GRCh37 (hg19) VCF-style: chr3-189590763-A-C.
Other names: c.1328A>C, p.His443Pro (NM_001114978.2, NM_001114979.2, NM_001329144.2); c.1046A>C, p.His349Pro (NM_001114980.2, NM_001114981.2, NM_001114982.2 and 1 more transcripts); c.791A>C, p.His264Pro (NM_001329146.2); c.1316A>C, p.His439Pro (NM_001329148.2); c.1034A>C, p.His345Pro (NM_001329149.2); c.779A>C, p.His260Pro (NM_001329150.2); c.1322A>C, p.His441Pro (NM_001329964.2); short protein forms H260P, H345P, H441P, H439P, H264P, H349P, H443P.
Identifiers: ClinVar variation 1933320 (VCV001933320.4), dbSNP rs1718615606, ClinGen allele CA355756049.

ClinVar aggregate classification (germline): Uncertain significance (1 of 4 stars; one submission).

Conditions:
TP63-Related Spectrum Disorders.

Allele frequency attached by ClinVar (database versions not stated): TOPMed below 0.00001.

Submission:

Labcorp Genetics (formerly Invitae), Labcorp
Classification: Uncertain significance. Last evaluated: 2024-09-17. Review status: criteria provided, single submitter. Criteria: Invitae Variant Classification Sherloc (09022015). Collection method: clinical testing. Allele origin: germline.
Comment: This sequence change replaces histidine, which is basic and polar, with proline, which is neutral and non-polar, at codon 443 of the TP63 protein (p.His443Pro). This variant is not present in population databases (gnomAD no frequency). This variant has not been reported in the literature in individuals affected with TP63-related conditions. ClinVar contains an entry for this variant (Variation ID: 1933320). Invitae Evidence Modeling of protein sequence and biophysical properties (such as structural, functional, and spatial information, amino acid conservation, physicochemical variation, residue mobility, and thermodynamic stability) indicates that this missense variant is expected to disrupt TP63 protein function with a positive predictive value of 80%. In summary, the available evidence is currently insufficient to determine the role of this variant in disease. Therefore, it has been classified as a Variant of Uncertain Significance.